The following is an entry in ClinVar:

ClinVar aggregate classification (germline): Uncertain significance (1 of 4 stars; one submission).

Conditions:
PHGDH deficiency. Identifiers: Orphanet 79351, MedGen C1866174, MONDO:0011152, OMIM 601815.

Allele frequency attached by ClinVar (database versions not stated): gnomAD exomes below 0.00001; TOPMed below 0.00001.
gnomAD v4.1: 7 of 1,614,146 alleles (0.00043%); highest among the groups gnomAD compares: Non-Finnish European, 0.00059%; no homozygotes.

Submission:

Labcorp Genetics (formerly Invitae), Labcorp
Classification: Uncertain significance for PHGDH deficiency. Last evaluated: 2021-08-14. Review status: criteria provided, single submitter. Criteria: Invitae Variant Classification Sherloc (09022015). Collection method: clinical testing. Allele origin: germline.
Comment: This sequence change replaces valine with glycine at codon 59 of the PHGDH protein (p.Val59Gly). The valine residue is moderately conserved and there is a moderate physicochemical difference between valine and glycine. This variant is not present in population databases (ExAC no frequency). This variant has not been reported in the literature in individuals with PHGDH-related conditions. Algorithms developed to predict the effect of missense changes on protein structure and function are either unavailable or do not agree on the potential impact of this missense change (SIFT: "Deleterious"; PolyPhen-2: "Probably Damaging"; Align-GVGD: "Class C0"). In summary, the available evidence is currently insufficient to determine the role of this variant in disease. Therefore, it has been classified as a Variant of Uncertain Significance.

NM_006623.4(PHGDH):c.176T>G (p.Val59Gly)

Gene: PHGDH (phosphoglycerate dehydrogenase; plus strand). Cytogenetic location: 1p12.
Variant type: single nucleotide variant.
Coding change: c.176T>G on transcript NM_006623.4 (MANE Select); coding-DNA position 176, T replaced by G.
Protein change: p.Val59Gly; replaces valine 59 with glycine.
Molecular consequence: missense variant.
Genome position (GRCh38, 1-based): chr1:119,721,207, T>G. VCF-style: chr1-119721207-T-G. GRCh37 (hg19) VCF-style: chr1-120263830-T-G.
Other names: short protein forms V59G.
Identifiers: ClinVar variation 1419515 (VCV001419515.6), dbSNP rs1340275757, ClinGen allele CA341416748.